The following is an entry in ClinVar:

ClinVar aggregate classification (germline): Uncertain significance (1 of 4 stars; one submission).

Conditions:
Type A2 brachydactyly (BDA2). Also called: BRACHYMESOPHALANGY II; Brachymesophalangy type 2; MOHR-WRIEDT TYPE BRACHYDACTYLY. Identifiers: Orphanet 93396, MedGen C1832702, MONDO:0007216, OMIM 112600, HP:0009372.
Acromesomelic dysplasia 3 (AMD3). Also called: CHONDRODYSPLASIA, ACROMESOMELIC, WITH OR WITHOUT GENITAL ANOMALIES; Acromesomelic dysplasia, Demirhan type. Identifiers: MedGen C4225404, MONDO:0012274, OMIM 609441.

Allele frequency attached by ClinVar (database versions not stated): gnomAD exomes 0.00002; gnomAD 0.00003; TOPMed 0.00005.
gnomAD v4.1: 40 of 1,613,926 alleles (0.0025%); highest among the groups gnomAD compares: Non-Finnish European, 0.0032%; no homozygotes.

Submission:

Labcorp Genetics (formerly Invitae), Labcorp
Classification: Uncertain significance for Type A2 brachydactyly; Acromesomelic dysplasia 3. Last evaluated: 2025-09-09. Review status: criteria provided, single submitter. Criteria: Invitae Variant Classification Sherloc (09022015). Collection method: clinical testing. Allele origin: germline.
Comment: This sequence change replaces leucine, which is neutral and non-polar, with valine, which is neutral and non-polar, at codon 333 of the BMPR1B protein (p.Leu333Val). This variant is present in population databases (no rsID available, gnomAD 0.01%). This variant has not been reported in the literature in individuals affected with BMPR1B-related conditions. ClinVar contains an entry for this variant (Variation ID: 1962214). Invitae Evidence Modeling of protein sequence and biophysical properties (such as structural, functional, and spatial information, amino acid conservation, physicochemical variation, residue mobility, and thermodynamic stability) indicates that this missense variant is not expected to disrupt BMPR1B protein function with a negative predictive value of 80%. In summary, the available evidence is currently insufficient to determine the role of this variant in disease. Therefore, it has been classified as a Variant of Uncertain Significance.

NM_001203.3(BMPR1B):c.997C>G (p.Leu333Val)

Gene: BMPR1B (bone morphogenetic protein receptor type 1B; plus strand). Cytogenetic location: 4q22.3.
Variant type: single nucleotide variant.
Coding change: c.997C>G on transcript NM_001203.3 (MANE Select); coding-DNA position 997, C replaced by G.
Protein change: p.Leu333Val; replaces leucine 333 with valine.
Molecular consequence: missense variant.
Genome position (GRCh38, 1-based): chr4:95,131,433, C>G. VCF-style: chr4-95131433-C-G. GRCh37 (hg19) VCF-style: chr4-96052584-C-G.
Other names: c.997C>G, p.Leu333Val (NM_001256792.2, NM_001256794.1); c.1087C>G, p.Leu363Val (NM_001256793.2); short protein forms L363V, L333V.
Identifiers: ClinVar variation 1962214 (VCV001962214.5), dbSNP rs978472184, ClinGen allele CA101664711.